The following is an entry in ClinVar:

NM_005751.5(AKAP9):c.11005G>C (p.Ala3669Pro)

Gene: AKAP9 (A-kinase anchoring protein 9; plus strand). Cytogenetic location: 7q21.2.
Variant type: single nucleotide variant.
Coding change: c.11005G>C on transcript NM_005751.5 (MANE Select); coding-DNA position 11005, G replaced by C.
Protein change: p.Ala3669Pro; replaces alanine 3669 with proline.
Molecular consequence: missense variant.
Genome position (GRCh38, 1-based): chr7:92,100,964, G>C. VCF-style: chr7-92100964-G-C. GRCh37 (hg19) VCF-style: chr7-91730278-G-C.
Other names: c.5650G>C, p.Ala1884Pro (NM_001379277.1); c.10981G>C, p.Ala3661Pro (NM_147185.3); short protein forms A1884P, A3661P, A3669P.
Identifiers: ClinVar variation 1792221 (VCV001792221.2), dbSNP rs2535312112, ClinGen allele CA368160213.

ClinVar aggregate classification (germline): Uncertain significance (1 of 4 stars; one submission).

Conditions:
Cardiovascular phenotype. Identifiers: MedGen CN230736.

Allele frequency attached by ClinVar (database versions not stated): gnomAD exomes below 0.00001.
gnomAD v4.1: 1 of 1,614,098 alleles (0.000062%); highest among the groups gnomAD compares: Non-Finnish European, 0.000085%; no homozygotes.

Submission:

Ambry Genetics
Classification: Uncertain significance for Cardiovascular phenotype. Last evaluated: 2021-07-01. Review status: criteria provided, single submitter. Criteria: Ambry Variant Classification Scheme 2023. Collection method: clinical testing. Allele origin: germline.
Comment: The p.A3669P variant (also known as c.11005G>C), located in coding exon 45 of the AKAP9 gene, results from a G to C substitution at nucleotide position 11005. The alanine at codon 3669 is replaced by proline, an amino acid with highly similar properties. This amino acid position is conserved. In addition, this alteration is predicted to be tolerated by in silico analysis. Since supporting evidence is limited at this time, the clinical significance of this alteration remains unclear.